The following is an entry in ClinVar:

NM_001191057.4(PDE1C):c.1972C>T (p.Pro658Ser)

Gene: PDE1C (phosphodiesterase 1C; minus strand). Cytogenetic location: 7p14.3.
Variant type: single nucleotide variant.
Coding change: c.1972C>T on transcript NM_001191057.4 (MANE Select); coding-DNA position 1972, C replaced by T.
Protein change: p.Pro658Ser; replaces proline 658 with serine.
Molecular consequence: missense variant.
Genome position (GRCh38, 1-based): chr7:31,753,542, G>A on the plus strand (C>T on the coding strand, the complement: PDE1C is on the minus strand). VCF-style: chr7-31753542-G-A. GRCh37 (hg19) VCF-style: chr7-31793156-G-A.
Other names: c.2152C>T, p.Pro718Ser (NM_001191058.4); c.1972C>T, p.Pro658Ser (NM_001191059.4, NM_001322055.2); short protein forms P658S, P718S.
Identifiers: ClinVar variation 5002082 (VCV005002082.1).

ClinVar aggregate classification (germline): Likely benign (1 of 4 stars; one submission).

Conditions:
PDE1C-related disorder. Also called: PDE1C-related condition.

gnomAD v4.1: 135 of 1,609,508 alleles (0.0084%); highest among the groups gnomAD compares: Admixed American, 0.19%; 1 homozygote.

Submission:

PreventionGenetics, part of Exact Sciences
Classification: Likely benign for PDE1C-related condition. Last evaluated: 2025-10-09. Review status: criteria provided, single submitter. Criteria: ACMG Guidelines, 2015. Collection method: clinical testing. Allele origin: germline.
Comment: This variant is classified as likely benign based on ACMG/AMP sequence variant interpretation guidelines (Richards et al. 2015 PMID: 25741868, with internal and published modifications).